The following is an entry in ClinVar:

ClinVar aggregate classification (germline): Uncertain significance (1 of 4 stars; one submission).

Conditions:
Hypothyroidism, congenital, nongoitrous, 8. Identifiers: MedGen C5231395, MONDO:0026731, OMIM 301033.

Submission:

Dasa
Classification: Uncertain significance for Hypothyroidism, congenital, nongoitrous, 8. Last evaluated: 2026-01-24. Review status: criteria provided, single submitter. Criteria: DASA Assertion Criteria. Collection method: clinical testing. Allele origin: germline.
Comment: NM_005647.4(TBL1X):c.212-2A>T affects a canonical splice site and is predicted to disrupt normal RNA splicing. This variant is absent from population databases. The currently available literature and clinical evidence are not sufficient to establish a definitive association between this variant and the reported condition. Therefore, this variant is classified as a variant of uncertain significance.

NM_005647.4(TBL1X):c.212-2A>T

Gene: TBL1X (transducin beta like 1 X-linked; plus strand). Cytogenetic location: Xp22.2.
Variant type: single nucleotide variant.
Coding change: c.212-2A>T on transcript NM_005647.4 (MANE Select); the canonical splice acceptor site of the intron before coding-DNA position 212, A replaced by T.
Molecular consequence: splice acceptor variant.
Genome position (GRCh38, 1-based): chrX:9,684,041, A>T. VCF-style: chrX-9684041-A-T. GRCh37 (hg19) VCF-style: chrX-9652081-A-T.
Other names: c.59-2A>T (NM_001139468.1, NM_001139467.1); c.212-2A>T (NM_001139466.1).
Identifiers: ClinVar variation 4882369 (VCV004882369.2).